The following is an entry in ClinVar:

ClinVar aggregate classification (germline): Benign/Likely benign. Review status: criteria provided, multiple submitters, no conflicts (2 of 4 stars). 4 submissions from 4 submitters: Benign (1); Likely benign (3). Last evaluated 2026-02-02.

Allele frequency attached by ClinVar (database versions not stated): gnomAD exomes 0.00115; ExAC 0.00398; gnomAD 0.00529.

Submissions (4):

Labcorp Genetics (formerly Invitae), Labcorp
Classification: Likely benign. Last evaluated: 2026-02-02. Review status: criteria provided, single submitter. Criteria: Invitae Variant Classification Sherloc (09022015). Collection method: clinical testing. Allele origin: germline.

Women's Health and Genetics/Laboratory Corporation of America, LabCorp
Classification: Likely benign. Last evaluated: 2025-05-23. Review status: criteria provided, single submitter. Criteria: LabCorp Variant Classification Summary - May 2015. Collection method: clinical testing. Allele origin: germline.
Comment: Variant summary: MYO7A c.4441+19T>C alters a non-conserved nucleotide located at a position not widely known to affect splicing. Consensus agreement among computation tools predict no significant impact on normal splicing. However, these predictions have yet to be confirmed by functional studies. The variant allele was found at a frequency of 0.0012 in 116042 control chromosomes. This frequency is not significantly higher than estimated for a pathogenic variant in MYO7A causing Usher Syndrome (0.0012 vs 0.0061), allowing no conclusion about variant significance. To our knowledge, no occurrence of c.4441+19T>C in individuals affected with Usher Syndrome and no experimental evidence demonstrating its impact on protein function have been reported. ClinVar contains an entry for this variant (Variation ID: 138406). Based on the evidence outlined above, the variant was classified as likely benign.

GeneDx
Classification: Benign. Last evaluated: 2013-01-14. Review status: criteria provided, single submitter. Criteria: GeneDx Variant Classification (06012015). Collection method: clinical testing. Allele origin: germline. Affected: yes.
Comment: This variant is considered likely benign or benign based on one or more of the following criteria: it is a conservative change, it occurs at a poorly conserved position in the protein, it is predicted to be benign by multiple in silico algorithms, and/or has population frequency not consistent with disease.

Breakthrough Genomics
Classification: Likely benign. Review status: criteria provided, single submitter. Criteria: ACMG Guidelines, 2015. Collection method: not provided. Allele origin: germline. Inheritance: Autosomal recessive inheritance. Affected: yes.

NM_000260.4(MYO7A):c.4441+19T>C

Gene: MYO7A (myosin VIIA; plus strand). Cytogenetic location: 11q13.5.
Variant type: single nucleotide variant.
Coding change: c.4441+19T>C on transcript NM_000260.4 (MANE Select); 19 bases into the intron after coding-DNA position 4441, T replaced by C.
Molecular consequence: intron variant.
Genome position (GRCh38, 1-based): chr11:77,197,617, T>C. VCF-style: chr11-77197617-T-C. GRCh37 (hg19) VCF-style: chr11-76908662-T-C.
Other names: c.4408+19T>C (NM_001369365.1); c.4441+19T>C (NM_001127180.2).
Identifiers: ClinVar variation 138406 (VCV000138406.11), dbSNP rs11237114, ClinGen allele CA292403.